The following is an entry in ClinVar:

NM_020066.5(FMN2):c.162C>G (p.Gly54=)

Gene: FMN2 (formin 2; plus strand). Cytogenetic location: 1q43.
Variant type: single nucleotide variant.
Coding change: c.162C>G on transcript NM_020066.5 (MANE Select); coding-DNA position 162, C replaced by G.
Protein change: p.Gly54=; no amino-acid change (glycine 54 retained).
Molecular consequence: synonymous variant.
Genome position (GRCh38, 1-based): chr1:240,092,271, C>G. VCF-style: chr1-240092271-C-G. GRCh37 (hg19) VCF-style: chr1-240255571-C-G.
Other names: c.162C>G, p.Gly54= (NM_001305424.2, NM_001348094.2).
Identifiers: ClinVar variation 2578603 (VCV002578603.25), dbSNP rs1465821580, ClinGen allele CA424394185.

ClinVar aggregate classification (germline): Likely benign (1 of 4 stars; one submission).

gnomAD v4.1: 1 of 115,034 alleles (0.00087%); highest among the groups gnomAD compares: Non-Finnish European, 0.0012%; no homozygotes.

Submission:

CeGaT Center for Human Genetics Tuebingen
Classification: Likely benign. Last evaluated: 2023-08-01. Review status: criteria provided, single submitter. Criteria: CeGaT Center For Human Genetics Tuebingen Variant Classification Criteria Version 2. Collection method: clinical testing. Allele origin: germline. Affected: yes. Observed: 1 variant allele.
Comment: FMN2: PM2:Supporting, BP4, BP7